The following is an entry in ClinVar:

NM_002354.3(EPCAM):c.303G>C (p.Glu101Asp)

Gene: EPCAM (epithelial cell adhesion molecule; plus strand). Cytogenetic location: 2p21.
Variant type: single nucleotide variant.
Coding change: c.303G>C on transcript NM_002354.3 (MANE Select); coding-DNA position 303, G replaced by C.
Protein change: p.Glu101Asp; replaces glutamic acid 101 with aspartic acid.
Molecular consequence: missense variant.
Genome position (GRCh38, 1-based): chr2:47,373,926, G>C. VCF-style: chr2-47373926-G-C. GRCh37 (hg19) VCF-style: chr2-47601065-G-C.
Other names: short protein forms E101D.
Identifiers: ClinVar variation 3845294 (VCV003845294.1).
Genomic context (GRCh38, chr2:47,373,926, plus strand): 5'-AGCAAAACCTGAAGGGGCCCTCCAGAACAATGATGGGCTTTATGATCCTGACTGCGATGA[G>C]AGCGGGCTCTTTAAGGCCAAGCAGTGCAACGGCACCTCCATGTGCTGGTGTGTGAACACT-3'
Protein context (NP_002345.2, residues 91-111): NDGLYDPDCD[Glu101Asp]SGLFKAKQCN

ClinVar aggregate classification (germline): Uncertain significance (1 of 4 stars; one submission).

Conditions:
Hereditary cancer-predisposing syndrome. Also called: Hereditary neoplastic syndrome; Neoplastic Syndromes, Hereditary; Tumor predisposition; Hereditary Cancer Syndrome. Identifiers: Orphanet 140162, MedGen C0027672, MeSH D009386, MONDO:0015356.

gnomAD v4.1: 1 of 1,614,148 alleles (0.000062%); highest among the groups gnomAD compares: Non-Finnish European, 0.000085%; no homozygotes.

Submission:

Ambry Genetics
Classification: Uncertain significance for Hereditary cancer-predisposing syndrome. Last evaluated: 2025-01-09. Review status: criteria provided, single submitter. Criteria: Ambry Variant Classification Scheme 2023. Collection method: clinical testing. Allele origin: germline.
Comment: The p.E101D variant (also known as c.303G>C), located in coding exon 3 of the EPCAM gene, results from a G to C substitution at nucleotide position 303. The glutamic acid at codon 101 is replaced by aspartic acid, an amino acid with highly similar properties. This amino acid position is conserved. In addition, this alteration is predicted to be tolerated by in silico analysis. Based on the available evidence, the clinical significance of this variant remains unclear.